The following is an entry in ClinVar:

ClinVar aggregate classification (germline): Uncertain significance (1 of 4 stars; one submission).

Conditions:
Amyotrophic lateral sclerosis type 1 (ALS1). Also called: AMYOTROPHIC LATERAL SCLEROSIS 1, FAMILIAL. Identifiers: Orphanet 803, MedGen C1862939, MONDO:0007103, OMIM 105400.
Perry syndrome. Also called: PARKINSONISM WITH ALVEOLAR HYPOVENTILATION AND MENTAL DEPRESSION. Identifiers: Orphanet 178509, MedGen C1868594, MONDO:0008201, OMIM 168605.
Neuronopathy, distal hereditary motor, type 7B. Also called: NEUROPATHY, DISTAL HEREDITARY MOTOR, WITH VOCAL CORD PARALYSIS, HARDING TYPE VIIB; Distal Hereditary Motor Neuronopathy Type 7B (dHMN7B); LOWER MOTOR NEURON DISEASE, DYNACTIN TYPE; HMN VIIB; NEURONOPATHY, DISTAL HEREDITARY MOTOR, AUTOSOMAL DOMINANT 14; NEURONOPATHY, DISTAL HEREDITARY MOTOR, HARDING TYPE VIIB. Identifiers: Orphanet 139589, MedGen C1843315, MONDO:0011879, OMIM 607641.

Allele frequency attached by ClinVar (database versions not stated): gnomAD exomes below 0.00001 and 0.00001.

Submission:

Labcorp Genetics (formerly Invitae), Labcorp
Classification: Uncertain significance for Amyotrophic lateral sclerosis type 1; Neuronopathy, distal hereditary motor, type 7B; Perry syndrome. Last evaluated: 2023-08-04. Review status: criteria provided, single submitter. Criteria: Invitae Variant Classification Sherloc (09022015). Collection method: clinical testing. Allele origin: germline.
Comment: In summary, the available evidence is currently insufficient to determine the role of this variant in disease. Therefore, it has been classified as a Variant of Uncertain Significance. Advanced modeling of protein sequence and biophysical properties (such as structural, functional, and spatial information, amino acid conservation, physicochemical variation, residue mobility, and thermodynamic stability) performed at Invitae indicates that this missense variant is not expected to disrupt DCTN1 protein function. ClinVar contains an entry for this variant (Variation ID: 1370634). This missense change has been observed in individual(s) with clinical features of DCTN1-related conditions (Invitae). This variant is present in population databases (no rsID available, gnomAD 0.003%). This sequence change replaces alanine, which is neutral and non-polar, with threonine, which is neutral and polar, at codon 870 of the DCTN1 protein (p.Ala870Thr).

NM_004082.5(DCTN1):c.2608G>A (p.Ala870Thr)

Gene: DCTN1 (dynactin subunit 1; minus strand). Cytogenetic location: 2p13.1.
Variant type: single nucleotide variant.
Coding change: c.2608G>A on transcript NM_004082.5 (MANE Select); coding-DNA position 2608, G replaced by A.
Protein change: p.Ala870Thr; replaces alanine 870 with threonine.
Molecular consequence: missense variant. On other transcripts: non-coding transcript variant (1).
Genome position (GRCh38, 1-based): chr2:74,366,479, C>T on the plus strand (G>A on the coding strand, the complement: DCTN1 is on the minus strand). VCF-style: chr2-74366479-C-T. GRCh37 (hg19) VCF-style: chr2-74593606-C-T.
Other names: c.2548G>A, p.Ala850Thr (NM_001135040.3); c.2206G>A, p.Ala736Thr (NM_001135041.3, NM_023019.4); c.2497G>A, p.Ala833Thr (NM_001190836.2); c.2587G>A, p.Ala863Thr (NM_001190837.2); c.2557G>A, p.Ala853Thr (NM_001378991.1); c.2539G>A, p.Ala847Thr (NM_001378992.1); short protein forms A850T, A853T, A870T, A736T, A847T, A833T, A863T.
Identifiers: ClinVar variation 1370634 (VCV001370634.6), dbSNP rs1267339489, ClinGen allele CA347345980.
Genomic context (GRCh38, chr2:74,366,479, plus strand): 5'-TAACTCTCCCCACACCTTCTACCCAGCCATCCAGGCCCACCTGCTCGCTTGCTTTGAAAG[C>T]CAGTTCCTCCAGAGCAGCCACAAGTAGCCCCTCATTCTCTGCCAGTGGGGCAATGAGCTG-3'
Protein context (NP_004073.2, residues 860-880): GLLVAALEEL[Ala870Thr]FKASEQIYGT